The following is an entry in ClinVar:

ClinVar aggregate classification (germline): Uncertain significance (1 of 4 stars; one submission).

Allele frequency attached by ClinVar (database versions not stated): gnomAD exomes 0.00001; gnomAD 0.00010; TOPMed 0.00010.
gnomAD v4.1: 34 of 1,551,576 alleles (0.0022%); highest among the groups gnomAD compares: African/African-American, 0.042%; no homozygotes.

Submission:

Labcorp Genetics (formerly Invitae), Labcorp
Classification: Uncertain significance. Last evaluated: 2023-03-17. Review status: criteria provided, single submitter. Criteria: Invitae Variant Classification Sherloc (09022015). Collection method: clinical testing. Allele origin: germline.
Comment: In summary, the available evidence is currently insufficient to determine the role of this variant in disease. Therefore, it has been classified as a Variant of Uncertain Significance. An algorithm developed to predict the effect of missense changes on protein structure and function (PolyPhen-2) suggests that this variant is likely to be disruptive. This variant has not been reported in the literature in individuals affected with GREB1L-related conditions. This variant is present in population databases (no rsID available, gnomAD 0.03%). This sequence change replaces isoleucine, which is neutral and non-polar, with valine, which is neutral and non-polar, at codon 1614 of the GREB1L protein (p.Ile1614Val).

NM_001142966.3(GREB1L):c.4840A>G (p.Ile1614Val)

Gene: GREB1L (GREB1 like retinoic acid receptor coactivator; plus strand). Cytogenetic location: 18q11.2.
Variant type: single nucleotide variant.
Coding change: c.4840A>G on transcript NM_001142966.3 (MANE Select); coding-DNA position 4840, A replaced by G.
Protein change: p.Ile1614Val; replaces isoleucine 1614 with valine.
Molecular consequence: missense variant.
Genome position (GRCh38, 1-based): chr18:21,513,925, A>G. VCF-style: chr18-21513925-A-G. GRCh37 (hg19) VCF-style: chr18-19093886-A-G.
Other names: c.4969A>G, p.Ile1657Val (NM_001410867.1); c.4513A>G, p.Ile1505Val (NM_001410868.1); short protein forms I1657V, I1505V, I1614V.
Identifiers: ClinVar variation 2961039 (VCV002961039.3), dbSNP rs1032115325, ClinGen allele CA296934061.